The following is an entry in ClinVar:

ClinVar aggregate classification (germline): Uncertain significance. Review status: criteria provided, multiple submitters, no conflicts (2 of 4 stars). 2 submissions from 2 submitters: Uncertain significance (2). Last evaluated 2022-07-24.

Conditions:
Cardiovascular phenotype. Identifiers: MedGen CN230736.
Hereditary cancer-predisposing syndrome. Also called: Hereditary Cancer Syndrome; Hereditary neoplastic syndrome; Neoplastic Syndromes, Hereditary; Tumor predisposition. Identifiers: Orphanet 140162, MedGen C0027672, MeSH D009386, MONDO:0015356.

Submissions (2):

Ambry Genetics
Classification: Uncertain significance for Cardiovascular phenotype; Hereditary cancer-predisposing syndrome. Last evaluated: 2022-07-24. Review status: criteria provided, single submitter. Criteria: Ambry Variant Classification Scheme 2023. Collection method: clinical testing. Allele origin: germline.
Comment: The p.T159P variant (also known as c.475A>C), located in coding exon 5 of the LZTR1 gene, results from an A to C substitution at nucleotide position 475. The threonine at codon 159 is replaced by proline, an amino acid with highly similar properties. This amino acid position is conserved. In addition, this alteration is predicted to be deleterious by in silico analysis. Since supporting evidence is limited at this time, the clinical significance of this alteration remains unclear.

Labcorp Genetics (formerly Invitae), Labcorp
Classification: Uncertain significance. Last evaluated: 2022-07-22. Review status: criteria provided, single submitter. Criteria: Invitae Variant Classification Sherloc (09022015). Collection method: clinical testing. Allele origin: germline.
Comment: In summary, the available evidence is currently insufficient to determine the role of this variant in disease. Therefore, it has been classified as a Variant of Uncertain Significance. Algorithms developed to predict the effect of missense changes on protein structure and function are either unavailable or do not agree on the potential impact of this missense change (SIFT: "Deleterious"; PolyPhen-2: "Possibly Damaging"; Align-GVGD: "Class C0"). This missense change has been observed in individual(s) with clinical features of autosomal recessive Noonan syndrome (Invitae). This variant is not present in population databases (gnomAD no frequency). This sequence change replaces threonine, which is neutral and polar, with proline, which is neutral and non-polar, at codon 159 of the LZTR1 protein (p.Thr159Pro).

NM_006767.4(LZTR1):c.475A>C (p.Thr159Pro)

Gene: LZTR1 (leucine zipper like post translational regulator 1; plus strand). Cytogenetic location: 22q11.21.
Variant type: single nucleotide variant.
Coding change: c.475A>C on transcript NM_006767.4 (MANE Select); coding-DNA position 475, A replaced by C.
Protein change: p.Thr159Pro; replaces threonine 159 with proline.
Molecular consequence: missense variant.
Genome position (GRCh38, 1-based): chr22:20,988,084, A>C. VCF-style: chr22-20988084-A-C. GRCh37 (hg19) VCF-style: chr22-21342373-A-C.
Other names: short protein forms T159P.
Identifiers: ClinVar variation 1742876 (VCV001742876.7), dbSNP rs2518613335, ClinGen allele CA410779865.